The following is an entry in ClinVar:

ClinVar aggregate classification (germline): Uncertain significance (1 of 4 stars; one submission).

Submission:

GeneDx
Classification: Uncertain significance. Last evaluated: 2023-11-07. Review status: criteria provided, single submitter. Criteria: GeneDx Variant Classification Process June 2021. Collection method: clinical testing. Allele origin: germline. Affected: yes.
Comment: Not observed at significant frequency in large population cohorts (gnomAD); In silico analysis supports that this missense variant has a deleterious effect on protein structure/function; Has not been previously published as pathogenic or benign to our knowledge

NM_002578.5(PAK3):c.590A>G (p.His197Arg)

Gene: PAK3 (p21 (RAC1) activated kinase 3; plus strand). Cytogenetic location: Xq23.
Variant type: single nucleotide variant.
Coding change: c.590A>G on transcript NM_002578.5 (MANE Select); coding-DNA position 590, A replaced by G.
Protein change: p.His197Arg; replaces histidine 197 with arginine.
Molecular consequence: missense variant. On other transcripts: non-coding transcript variant (2).
Genome position (GRCh38, 1-based): chrX:111,163,036, A>G. VCF-style: chrX-111163036-A-G. GRCh37 (hg19) VCF-style: chrX-110406264-A-G.
Other names: c.590A>G, p.His197Arg (NM_001128166.3, NM_001128167.3, NM_001324325.2 and 5 more transcripts); c.698A>G, p.His233Arg (NM_001128168.3); c.653A>G, p.His218Arg (NM_001128172.2); c.635A>G, p.His212Arg (NM_001128173.3, NM_001324327.2, NM_001324328.2 and 2 more transcripts); short protein forms H197R, H212R, H218R, H233R.
Identifiers: ClinVar variation 3363879 (VCV003363879.1).